The following is an entry in ClinVar:

NM_173354.5(SIK1):c.1642G>A (p.Ala548Thr)

Gene: SIK1 (salt inducible kinase 1; minus strand). Cytogenetic location: 21q22.3.
Variant type: single nucleotide variant.
Coding change: c.1642G>A on transcript NM_173354.5 (MANE Select); coding-DNA position 1642, G replaced by A.
Protein change: p.Ala548Thr; replaces alanine 548 with threonine.
Molecular consequence: missense variant.
Genome position (GRCh38, 1-based): chr21:43,418,362, C>T on the plus strand (G>A on the coding strand, the complement: SIK1 is on the minus strand). VCF-style: chr21-43418362-C-T. GRCh37 (hg19) VCF-style: chr21-44838242-C-T.
Other names: c.1642G>A (NM_173354.3); short protein forms A548T.
Identifiers: ClinVar variation 1408200 (VCV001408200.10), dbSNP rs761922703, ClinGen allele CA321325369.
Genomic context (GRCh38, chr21:43,418,362, plus strand): 5'-AGCTGACAGGGAGCAGAACAGCTCCTCCCAAGCCCCCCTGAGCCTGCAGCACTGGGGTGG[C>T]GGACTGCGACCCCAGGAAGGGCGAGGCCAGCCTGACCGGGGAGCAGGCGCCCAGCAGCCC-3'
Protein context (NP_775490.2, residues 538-558): LASPFLGSQS[Ala548Thr]TPVLQAQGGL

ClinVar aggregate classification (germline): Conflicting classifications of pathogenicity. Review status: criteria provided, conflicting classifications (1 of 4 stars). 2 submissions from 2 submitters: Uncertain significance (1); Likely benign (1). Last evaluated 2025-07-30.

Conditions:
Inborn genetic diseases. Identifiers: MedGen C0950123, MeSH D030342.
Developmental and epileptic encephalopathy, 30 (DEE30). Also called: Epileptic encephalopathy, early infantile, 30. Identifiers: MedGen C4225360, MONDO:0014595, OMIM 616341.

Allele frequency attached by ClinVar (database versions not stated): gnomAD exomes below 0.00001; ExAC 0.00001.

Submissions (2):

Labcorp Genetics (formerly Invitae), Labcorp
Classification: Uncertain significance for Developmental and epileptic encephalopathy, 30. Last evaluated: 2025-07-30. Review status: criteria provided, single submitter. Criteria: Invitae Variant Classification Sherloc (09022015). Collection method: clinical testing. Allele origin: germline.
Comment: This sequence change replaces alanine, which is neutral and non-polar, with threonine, which is neutral and polar, at codon 548 of the SIK1 protein (p.Ala548Thr). The frequency data for this variant in the population databases is considered unreliable, as metrics indicate poor data quality at this position in the gnomAD database. This variant has not been reported in the literature in individuals affected with SIK1-related conditions. ClinVar contains an entry for this variant (Variation ID: 1408200). Invitae Evidence Modeling of protein sequence and biophysical properties (such as structural, functional, and spatial information, amino acid conservation, physicochemical variation, residue mobility, and thermodynamic stability) indicates that this missense variant is not expected to disrupt SIK1 protein function with a negative predictive value of 95%. In summary, the available evidence is currently insufficient to determine the role of this variant in disease. Therefore, it has been classified as a Variant of Uncertain Significance.

Ambry Genetics
Classification: Likely benign for Inborn genetic diseases. Last evaluated: 2025-01-06. Review status: criteria provided, single submitter. Criteria: Ambry Variant Classification Scheme 2023. Collection method: clinical testing. Allele origin: germline.